The following is an entry in ClinVar:

ClinVar aggregate classification (germline): Uncertain significance (1 of 4 stars; one submission).

Conditions:
Aortic aneurysm, familial thoracic 4 (AAT4). Also called: AORTIC ANEURYSM/AORTIC DISSECTION AND PATENT DUCTUS ARTERIOSUS. Identifiers: MedGen C1851504, MONDO:0007568, OMIM 132900.

Submission:

Labcorp Genetics (formerly Invitae), Labcorp
Classification: Uncertain significance for Aortic aneurysm, familial thoracic 4. Last evaluated: 2022-12-02. Review status: criteria provided, single submitter. Criteria: Invitae Variant Classification Sherloc (09022015). Collection method: clinical testing. Allele origin: germline.
Comment: In summary, the available evidence is currently insufficient to determine the role of this variant in disease. Therefore, it has been classified as a Variant of Uncertain Significance. Advanced modeling of protein sequence and biophysical properties (such as structural, functional, and spatial information, amino acid conservation, physicochemical variation, residue mobility, and thermodynamic stability) performed at Invitae indicates that this missense variant is not expected to disrupt MYH11 protein function. ClinVar contains an entry for this variant (Variation ID: 1358414). This variant has not been reported in the literature in individuals affected with MYH11-related conditions. This variant is not present in population databases (gnomAD no frequency). This sequence change replaces leucine, which is neutral and non-polar, with phenylalanine, which is neutral and non-polar, at codon 166 of the MYH11 protein (p.Leu166Phe).

NM_002474.3(MYH11):c.496C>T (p.Leu166Phe)

Gene: MYH11 (myosin heavy chain 11; minus strand). Cytogenetic location: 16p13.11.
Variant type: single nucleotide variant.
Coding change: c.496C>T on transcript NM_002474.3 (MANE Select); coding-DNA position 496, C replaced by T.
Protein change: p.Leu166Phe; replaces leucine 166 with phenylalanine.
Molecular consequence: missense variant.
Genome position (GRCh38, 1-based): chr16:15,823,261, G>A on the plus strand (C>T on the coding strand, the complement: MYH11 is on the minus strand). VCF-style: chr16-15823261-G-A. GRCh37 (hg19) VCF-style: chr16-15917118-G-A.
Other names: c.496C>T, p.Leu166Phe (NM_001040113.2, NM_001040114.2, NM_022844.3); short protein forms L166F.
Identifiers: ClinVar variation 1358414 (VCV001358414.8), dbSNP rs2151359714, ClinGen allele CA394882246.